The following is an entry in ClinVar:

NM_024312.5(GNPTAB):c.3G>C (p.Met1Ile)

Gene: GNPTAB (N-acetylglucosamine-1-phosphate transferase subunits alpha and beta; minus strand). Cytogenetic location: 12q23.2.
Variant type: single nucleotide variant.
Coding change: c.3G>C on transcript NM_024312.5 (MANE Select); coding-DNA position 3, G replaced by C.
Protein change: p.Met1Ile; changes the start codon (methionine 1).
Molecular consequence: missense variant, initiator codon variant.
Genome position (GRCh38, 1-based): chr12:101,830,673, C>G on the plus strand (G>C on the coding strand, the complement: GNPTAB is on the minus strand). VCF-style: chr12-101830673-C-G. GRCh37 (hg19) VCF-style: chr12-102224451-C-G.
Other names: c.3G>C (NM_024312.4); short protein forms M1I.
Identifiers: ClinVar variation 1456437 (VCV001456437.7), dbSNP rs752247255, ClinGen allele CA6747034.
Genomic context (GRCh38, chr12:101,830,673, plus strand): 5'-GTAGAGCCCATACCTGTGGGACAGGCAGGTATAGGTCTGTCTCTGCAGGAGCTTGAACAG[C>G]ATCACCCCTTCACCGCCACGCCACGCCCCGAGGAGCCTGAGCCGCCGCCGCCGCCGCCGC-3'
Protein context (NP_077288.2, residues 1-11): [Met1Ile]LFKLLQRQTY

ClinVar aggregate classification (germline): Pathogenic/Likely pathogenic. Review status: criteria provided, multiple submitters, no conflicts (2 of 4 stars). 2 submissions from 2 submitters: Pathogenic (1); Likely pathogenic (1). Last evaluated 2025-11-10.

Conditions:
Pseudo-Hurler polydystrophy. Also called: ML III; ML III ALPHA/BETA; Type III Mucolipidosis; ML IIIA; Mucolipidosis III Alpha/Beta; MUCOLIPIDOSIS IIIA. Identifiers: Orphanet 423461, Orphanet 577, MedGen C0033788, MONDO:0018931, OMIM 252600.
Mucolipidosis type II. Also called: ML II ALPHA/BETA; Mucolipidosis 2; ML 2; Inclusion cell disease; Leroy Disease; N-acetylglucosamine 1phosphotransferase deficiency. Identifiers: Orphanet 576, MedGen C2673377, MONDO:0009650, OMIM 252500.

Allele frequency attached by ClinVar (database versions not stated): gnomAD exomes 0.00001 and below 0.00001; ExAC 0.00001.

Submissions (2):

Labcorp Genetics (formerly Invitae), Labcorp
Classification: Pathogenic for Pseudo-Hurler polydystrophy; Mucolipidosis type II. Last evaluated: 2025-11-10. Review status: criteria provided, single submitter. Criteria: Invitae Variant Classification Sherloc (09022015). Collection method: clinical testing. Allele origin: germline.
Comment: This sequence change affects the initiator codon of the GNPTAB mRNA. This change may impact translation initiation or efficiency. The next in-frame methionine is located at codon 73. This variant is present in population databases (rs752247255, gnomAD 0.0009%). Disruption of the initiator codon has been observed in individual(s) with mucolipidosis (PMID: 30882951). ClinVar contains an entry for this variant (Variation ID: 1456437). This variant disrupts a region of the GNPTAB protein in which other variant(s) (p.Lys4Gln) have been determined to be pathogenic (PMID: 24045841). This suggests that this is a clinically significant region of the protein, and that variants that disrupt it are likely to be disease-causing. For these reasons, this variant has been classified as Pathogenic.

Natera, Inc.
Classification: Likely pathogenic for Mucolipidosis type II. Last evaluated: 2024-04-13. Review status: criteria provided, single submitter. Criteria: Natera Variant Classification Schema (03/2026). Collection method: clinical testing. Allele origin: germline.
Comment: The c.3G>C variant in GNPTAB is predicted to result in start loss due to disruption of the initiator methionine. This variant is expected to result in nonsense mediated decay, truncation, or a dysfunctional protein product. This variant is rare in the general population with a frequency below the threshold expected for the associated phenotype(s). Given the available evidence, this variant is classified as Likely Pathogenic.

Literature cited by the submitters: PubMed 30882951 (cited by Labcorp Genetics (formerly Invitae), Labcorp); PubMed 24045841 (cited by Labcorp Genetics (formerly Invitae), Labcorp).